The following is an entry in ClinVar:

ClinVar aggregate classification (germline): Uncertain significance (1 of 4 stars; one submission).

gnomAD v4.1: 1 of 1,607,296 alleles (0.000062%); highest among the groups gnomAD compares: Non-Finnish European, 0.000085%; no homozygotes.

Submission:

CeGaT Center for Human Genetics Tuebingen
Classification: Uncertain significance. Last evaluated: 2025-06-01. Review status: criteria provided, single submitter. Criteria: CeGaT Center For Human Genetics Tuebingen Variant Classification Criteria Version 2. Collection method: clinical testing. Allele origin: germline. Affected: yes. Observed: 1 variant allele.
Comment: ZNF292: PM2, BP4

NM_015021.3(ZNF292):c.2804T>C (p.Val935Ala)

Gene: ZNF292 (zinc finger protein 292; plus strand). Cytogenetic location: 6q14.3.
Variant type: single nucleotide variant.
Coding change: c.2804T>C on transcript NM_015021.3 (MANE Select); coding-DNA position 2804, T replaced by C.
Protein change: p.Val935Ala; replaces valine 935 with alanine.
Molecular consequence: missense variant.
Genome position (GRCh38, 1-based): chr6:87,256,433, T>C. VCF-style: chr6-87256433-T-C. GRCh37 (hg19) VCF-style: chr6-87966151-T-C.
Other names: c.2384T>C, p.Val795Ala (NM_001351444.2); short protein forms V795A, V935A.
Identifiers: ClinVar variation 4085286 (VCV004085286.8).